The following is an entry in ClinVar:

ClinVar aggregate classification (germline): Likely benign (1 of 4 stars; one submission).

Submission:

Laboratory for Molecular Medicine, Mass General Brigham Personalized Medicine
Classification: Likely benign. Last evaluated: 2013-08-10. Review status: criteria provided, single submitter. Criteria: LMM Criteria. Collection method: clinical testing. Allele origin: germline. Observed: 1 variant allele.
Comment: Gln511Gln in Exon 14 of MYH14: This variant is not expected to have clinical si gnificance because it does not alter an amino acid residue and is not located ne ar a splice junction.

NM_001145809.2(MYH14):c.1533G>A (p.Gln511=)

Gene: MYH14 (myosin heavy chain 14; plus strand). Cytogenetic location: 19q13.33.
Variant type: single nucleotide variant.
Coding change: c.1533G>A on transcript NM_001145809.2 (MANE Select); coding-DNA position 1533, G replaced by A.
Protein change: p.Gln511=; no amino-acid change (glutamine 511 retained).
Molecular consequence: synonymous variant.
Genome position (GRCh38, 1-based): chr19:50,249,700, G>A. VCF-style: chr19-50249700-G-A. GRCh37 (hg19) VCF-style: chr19-50752957-G-A.
Other names: c.1533G>A, p.Gln511= (NM_001077186.2); c.1509G>A, p.Gln503= (NM_024729.4).
Identifiers: ClinVar variation 179144 (VCV000179144.4), dbSNP rs727504664, ClinGen allele CA183804.